The following is an entry in ClinVar:

NM_003185.4(TAF4):c.2085C>T (p.Ala695=)

Gene: TAF4 (TATA-box binding protein associated factor 4; minus strand). Cytogenetic location: 20q13.33.
Variant type: single nucleotide variant.
Coding change: c.2085C>T on transcript NM_003185.4 (MANE Select); coding-DNA position 2085, C replaced by T.
Protein change: p.Ala695=; no amino-acid change (alanine 695 retained).
Molecular consequence: synonymous variant.
Genome position (GRCh38, 1-based): chr20:62,006,648, G>A on the plus strand (C>T on the coding strand, the complement: TAF4 is on the minus strand). VCF-style: chr20-62006648-G-A. GRCh37 (hg19) VCF-style: chr20-60581704-G-A.
Identifiers: ClinVar variation 2652463 (VCV002652463.24), dbSNP rs201473542, ClinGen allele CA9935674.
Genomic context (GRCh38, chr20:62,006,648, plus strand): 5'-ACTGGTCACGGTGGCCGCCGTCTTCCCGGCCGTGCGCTGGACCGAGCTACTCAGCACCAC[G>A]GCCGTGAGCGCAGTGGTGGCCTGCGAGGTGGGCGGTGGCGGCTGCTGCTGGCTCTGCTGG-3'
Protein context (NP_003176.2, residues 685-705): PTSQATTALT[Ala695=]VVLSSSVQRT

ClinVar aggregate classification (germline): Likely benign (1 of 4 stars; one submission).

Allele frequency attached by ClinVar (database versions not stated): TOPMed 0.00005; gnomAD 0.00013; ExAC 0.00015; gnomAD exomes 0.00017; 1000 Genomes Project 30x 0.00062; 1000 Genomes Project 0.00080.
gnomAD v4.1: 257 of 1,599,954 alleles (0.016%); highest among the groups gnomAD compares: East Asian, 0.43%; 1 homozygote.

Submission:

CeGaT Center for Human Genetics Tuebingen
Classification: Likely benign. Last evaluated: 2022-05-01. Review status: criteria provided, single submitter. Criteria: CeGaT Center For Human Genetics Tuebingen Variant Classification Criteria Version 2. Collection method: clinical testing. Allele origin: germline. Affected: yes. Observed: 1 variant allele.
Comment: TAF4: BP4, BP7